The following is an entry in ClinVar:

ClinVar aggregate classification (germline): Pathogenic/Likely pathogenic. Review status: criteria provided, multiple submitters, no conflicts (2 of 4 stars). 3 submissions from 3 submitters: Pathogenic (2); Likely pathogenic (1). Last evaluated 2025-09-27.

Conditions:
Retinitis pigmentosa 93. Identifiers: MedGen C5676970, MONDO:0030797, OMIM 619845.
COACH syndrome 2. Identifiers: MedGen C5436837, MONDO:0030859, OMIM 619111.
Meckel syndrome, type 6. Identifiers: Orphanet 564, MedGen C2676790, MONDO:0012848, OMIM 612284.
Joubert syndrome 9 (JBTS9). Identifiers: Orphanet 2318, MedGen C2676788, MONDO:0012849, OMIM 612285.
Joubert syndrome and related disorders. Identifiers: Orphanet 140874, MedGen C5679612, MONDO:0015369.
Joubert syndrome. Also called: JOUBERT-BOLTSHAUSER SYNDROME; Familial aplasia of the vermis. Identifiers: Orphanet 475, MedGen C5979921, MONDO:0018772.
Meckel-Gruber syndrome. Also called: DYSENCEPHALIA SPLANCHNOCYSTICA; GRUBER SYNDROME; Dysencephalia splachnocystica. Identifiers: Orphanet 564, MedGen C0265215, MONDO:0018921.

Submissions (3):

Labcorp Genetics (formerly Invitae), Labcorp
Classification: Pathogenic for Joubert syndrome; Meckel-Gruber syndrome. Last evaluated: 2025-09-27. Review status: criteria provided, single submitter. Criteria: Invitae Variant Classification Sherloc (09022015). Collection method: clinical testing. Allele origin: germline.
Comment: This sequence change creates a premature translational stop signal (p.Gln455*) in the CC2D2A gene. It is expected to result in an absent or disrupted protein product. Loss-of-function variants in CC2D2A are known to be pathogenic (PMID: 19777577). This variant is not present in population databases (gnomAD no frequency). This variant has not been reported in the literature in individuals affected with CC2D2A-related conditions. ClinVar contains an entry for this variant (Variation ID: 3590278). Algorithms developed to predict the effect of sequence changes on RNA splicing suggest that this variant may disrupt the consensus splice site. For these reasons, this variant has been classified as Pathogenic.

Myriad Genetics, Inc.
Classification: Pathogenic for Joubert syndrome and related disorders. Last evaluated: 2024-09-13. Review status: criteria provided, single submitter. Criteria: Myriad Autosomal Dominant, Autosomal Recessive and X-Linked Classification Criteria (2023). Collection method: clinical testing. Allele origin: unknown.
Comment: NM_001080522.2(CC2D2A):c.1363C>T(Q455*) is expected to be pathogenic in the context of CC2D2A-related disorders. This variant is predicted to lead to an abnormal or absent protein product due to the creation of a premature termination codon in CC2D2A, a gene where loss-of-function variants are known to be pathogenic. Please note: this variant was assessed in the context of healthy population screening.

Fulgent Genetics
Classification: Likely pathogenic for Meckel syndrome, type 6; Joubert syndrome 9; COACH syndrome 2; Retinitis pigmentosa 93. Last evaluated: 2024-05-29. Review status: criteria provided, single submitter. Criteria: ACMG Guidelines, 2015. Collection method: clinical testing. Allele origin: germline.

Literature cited by the submitters: PubMed 19777577 (cited by Labcorp Genetics (formerly Invitae), Labcorp).

NM_001378615.1(CC2D2A):c.1363C>T (p.Gln455Ter)

Genes: CC2D2A (coiled-coil and C2 domain containing 2A; plus strand), FBXL5 (F-box and leucine rich repeat protein 5; minus strand). Cytogenetic location: 4p15.32.
Variant type: single nucleotide variant.
Coding change: c.1363C>T on transcript NM_001378615.1 (MANE Select); coding-DNA position 1363, C replaced by T.
Protein change: p.Gln455Ter; replaces glutamine 455 with a stop codon.
Molecular consequence: nonsense.
Genome position (GRCh38, 1-based): chr4:15,528,623, C>T. VCF-style: chr4-15528623-C-T. GRCh37 (hg19) VCF-style: chr4-15530246-C-T.
Other names: c.1363C>T, p.Gln455Ter (NM_001080522.2); c.1216C>T, p.Gln406Ter (NM_001378617.1); short protein forms Q406*, Q455*.
Identifiers: ClinVar variation 3590278 (VCV003590278.3).